The following is an entry in ClinVar:

NM_001009944.3(PKD1):c.12195G>A (p.Leu4065=)

Gene: PKD1 (polycystin 1, transient receptor potential channel interacting; minus strand). Cytogenetic location: 16p13.3.
Variant type: single nucleotide variant.
Coding change: c.12195G>A on transcript NM_001009944.3 (MANE Select); coding-DNA position 12195, G replaced by A.
Protein change: p.Leu4065=; no amino-acid change (leucine 4065 retained).
Molecular consequence: synonymous variant.
Genome position (GRCh38, 1-based): chr16:2,090,534, C>T on the plus strand (G>A on the coding strand, the complement: PKD1 is on the minus strand). VCF-style: chr16-2090534-C-T. GRCh37 (hg19) VCF-style: chr16-2140535-C-T.
Other names: p.Leu4065=; c.12192G>A, p.Leu4064= (NM_000296.4).
Identifiers: ClinVar variation 4535815 (VCV004535815.3).

ClinVar aggregate classification (germline): Likely benign. Review status: criteria provided, multiple submitters, no conflicts (2 of 4 stars). 3 submissions from 3 submitters: Likely benign (3). Last evaluated 2026-02-03.

Conditions:
PKD1-related disorder. Also called: PKD1-related condition.

gnomAD v4.1: 77 of 1,610,104 alleles (0.0048%); highest among the groups gnomAD compares: African/African-American, 0.06%; no homozygotes.

Submissions (3):

PreventionGenetics, part of Exact Sciences
Classification: Likely benign for PKD1-related condition. Last evaluated: 2026-02-03. Review status: criteria provided, single submitter. Criteria: ACMG Guidelines, 2015. Collection method: clinical testing. Allele origin: germline.
Comment: This variant is classified as likely benign based on ACMG/AMP sequence variant interpretation guidelines (Richards et al. 2015 PMID: 25741868, with internal and published modifications).

Women's Health and Genetics/Laboratory Corporation of America, LabCorp
Classification: Likely benign. Last evaluated: 2025-09-04. Review status: criteria provided, single submitter. Criteria: LabCorp Variant Classification Summary - May 2015. Collection method: clinical testing. Allele origin: germline.

Mayo Clinic Laboratories, Mayo Clinic
Classification: Likely benign. Last evaluated: 2025-08-03. Review status: criteria provided, single submitter. Criteria: ACMG Guidelines, 2015. Collection method: clinical testing. Allele origin: germline. Observed: 1 variant allele.
Comment: BS1, BP4, BP7